The following is an entry in ClinVar:

ClinVar aggregate classification (germline): Uncertain significance. Review status: criteria provided, multiple submitters, no conflicts (2 of 4 stars). 2 submissions from 2 submitters: Uncertain significance (2). Last evaluated 2025-10-23.

Conditions:
Hereditary cancer-predisposing syndrome. Also called: Tumor predisposition; Hereditary neoplastic syndrome; Neoplastic Syndromes, Hereditary; Hereditary Cancer Syndrome. Identifiers: Orphanet 140162, MedGen C0027672, MeSH D009386, MONDO:0015356.
Familial adenomatous polyposis 1 (FAP1). Also called: POLYPOSIS, ADENOMATOUS INTESTINAL; FAMILIAL ADENOMATOUS POLYPOSIS 1, ATTENUATED. Identifiers: MedGen C2713442, MONDO:0021056, OMIM 175100. Disease mechanism: loss of function.

Allele frequency attached by ClinVar (database versions not stated): TOPMed below 0.00001; gnomAD 0.00001.
gnomAD v4.1: 2 of 1,613,962 alleles (0.00012%); highest among the groups gnomAD compares: Non-Finnish European, 0.00017%; no homozygotes.

Submissions (2):

Labcorp Genetics (formerly Invitae), Labcorp
Classification: Uncertain significance for Familial adenomatous polyposis 1. Last evaluated: 2025-10-23. Review status: criteria provided, single submitter. Criteria: Invitae Variant Classification Sherloc (09022015). Collection method: clinical testing. Allele origin: germline.
Comment: This sequence change replaces leucine, which is neutral and non-polar, with valine, which is neutral and non-polar, at codon 613 of the APC protein (p.Leu613Val). This variant is not present in population databases (gnomAD no frequency). This variant has not been reported in the literature in individuals affected with APC-related conditions. ClinVar contains an entry for this variant (Variation ID: 861307). Invitae Evidence Modeling of protein sequence and biophysical properties (such as structural, functional, and spatial information, amino acid conservation, physicochemical variation, residue mobility, and thermodynamic stability) indicates that this missense variant is not expected to disrupt APC protein function with a negative predictive value of 95%. In summary, the available evidence is currently insufficient to determine the role of this variant in disease. Therefore, it has been classified as a Variant of Uncertain Significance.

Ambry Genetics
Classification: Uncertain significance for Hereditary cancer-predisposing syndrome. Last evaluated: 2024-05-12. Review status: criteria provided, single submitter. Criteria: Ambry Variant Classification Scheme 2023. Collection method: clinical testing. Allele origin: germline.
Comment: The p.L613V variant (also known as c.1837C>G), located in coding exon 14 of the APC gene, results from a C to G substitution at nucleotide position 1837. The leucine at codon 613 is replaced by valine, an amino acid with highly similar properties. This amino acid position is conserved. In addition, in silico predictors for this gene do not accurately predict pathogenicity. Based on the available evidence, the clinical significance of this variant remains unclear.

NM_000038.6(APC):c.1837C>G (p.Leu613Val)

Gene: APC (APC regulator of Wnt signaling pathway; plus strand). Cytogenetic location: 5q22.2.
Variant type: single nucleotide variant.
Coding change: c.1837C>G on transcript NM_000038.6 (MANE Select); coding-DNA position 1837, C replaced by G.
Protein change: p.Leu613Val; replaces leucine 613 with valine.
Molecular consequence: missense variant.
Genome position (GRCh38, 1-based): chr5:112,835,044, C>G. VCF-style: chr5-112835044-C-G. GRCh37 (hg19) VCF-style: chr5-112170741-C-G.
Other names: c.1837C>G, p.Leu613Val (NM_001127510.3, NM_001354895.2); c.1783C>G, p.Leu595Val (NM_001127511.3); c.1891C>G, p.Leu631Val (NM_001354896.2); c.1867C>G, p.Leu623Val (NM_001354897.2); c.1762C>G, p.Leu588Val (NM_001354898.2); c.1753C>G, p.Leu585Val (NM_001354899.2); c.1714C>G, p.Leu572Val (NM_001354900.2); c.1660C>G, p.Leu554Val (NM_001354901.2); and 5 more; short protein forms L487V, L554V, L585V, L588V, L330V, L595V, L623V, L631V.
Identifiers: ClinVar variation 861307 (VCV000861307.12), dbSNP rs1471156259, ClinGen allele CA16025340.